The following is an entry in ClinVar:

NM_000434.4(NEU1):c.211_214dup (p.Gly72fs)

Gene: NEU1 (neuraminidase 1; minus strand). Cytogenetic location: 6p21.33.
Variant type: Duplication.
Coding change: c.211_214dup on transcript NM_000434.4 (MANE Select); coding-DNA positions 211 to 214, 4 bases duplicated (ATCG; older notation c.211_214dupATCG).
Protein change: p.Gly72fs; shifts the reading frame from glycine 72.
Molecular consequence: frameshift variant.
Genome position (GRCh38, 1-based): chr6:31,862,137-31,862,140, CGAT duplicated on the plus strand (ATCG on the coding strand, the reverse complement: NEU1 is on the minus strand); duplicating any 4 consecutive bases within chr6:31,862,137-31,862,141 gives the same sequence; the c. name uses the placement nearest the transcript's 3' end. VCF-style (leftmost placement, unchanged base first): chr6-31862136-C-CCGAT. GRCh37 (hg19) VCF-style: chr6-31829913-C-CCGAT.
Other names: short protein forms G72fs.
Identifiers: ClinVar variation 3631630 (VCV003631630.3).

ClinVar aggregate classification (germline): Pathogenic (1 of 4 stars; one submission).

Submission:

Labcorp Genetics (formerly Invitae), Labcorp
Classification: Pathogenic. Last evaluated: 2024-03-17. Review status: criteria provided, single submitter. Criteria: Invitae Variant Classification Sherloc (09022015). Collection method: clinical testing. Allele origin: germline.
Comment: This sequence change creates a premature translational stop signal (p.Gly72Aspfs*25) in the NEU1 gene. It is expected to result in an absent or disrupted protein product. Loss-of-function variants in NEU1 are known to be pathogenic (PMID: 11063730, 14517945). This variant is not present in population databases (gnomAD no frequency). This variant has not been reported in the literature in individuals affected with NEU1-related conditions. For these reasons, this variant has been classified as Pathogenic.

Literature cited by the submitters: PubMed 11063730; PubMed 14517945.